The following is an entry in ClinVar:

ClinVar aggregate classification (germline): Uncertain significance (1 of 4 stars; one submission).

Submission:

Ambry Genetics
Classification: Uncertain significance. Last evaluated: 2024-05-05. Review status: criteria provided, single submitter. Criteria: Ambry Variant Classification Scheme 2023. Collection method: clinical testing. Allele origin: germline.
Comment: The p.L204P variant (also known as c.611T>C), located in coding exon 5 of the RECQL gene, results from a T to C substitution at nucleotide position 611. The leucine at codon 204 is replaced by proline, an amino acid with similar properties. This amino acid position is conserved. In addition, this alteration is predicted to be deleterious by in silico analysis. Based on the available evidence, the clinical significance of this variant remains unclear.

NM_002907.4(RECQL):c.611T>C (p.Leu204Pro)

Gene: RECQL (RecQ like helicase; minus strand). Cytogenetic location: 12p12.1.
Variant type: single nucleotide variant.
Coding change: c.611T>C on transcript NM_002907.4 (MANE Select); coding-DNA position 611, T replaced by C.
Protein change: p.Leu204Pro; replaces leucine 204 with proline.
Molecular consequence: missense variant.
Genome position (GRCh38, 1-based): chr12:21,483,465, A>G on the plus strand (T>C on the coding strand, the complement: RECQL is on the minus strand). VCF-style: chr12-21483465-A-G. GRCh37 (hg19) VCF-style: chr12-21636399-A-G.
Other names: c.611T>C, p.Leu204Pro (NM_032941.3); short protein forms L204P.
Identifiers: ClinVar variation 3313516 (VCV003313516.1).